The following is an entry in ClinVar:

NM_001278116.2(L1CAM):c.3352G>C (p.Ala1118Pro)

Gene: L1CAM (L1 cell adhesion molecule; minus strand). Cytogenetic location: Xq28.
Variant type: single nucleotide variant.
Coding change: c.3352G>C on transcript NM_001278116.2 (MANE Select); coding-DNA position 3352, G replaced by C.
Protein change: p.Ala1118Pro; replaces alanine 1118 with proline.
Molecular consequence: missense variant.
Genome position (GRCh38, 1-based): chrX:153,863,988, C>G on the plus strand (G>C on the coding strand, the complement: L1CAM is on the minus strand). VCF-style: chrX-153863988-C-G. GRCh37 (hg19) VCF-style: chrX-153129443-C-G.
Other names: c.3352G>C, p.Ala1118Pro (NM_000425.5, NM_024003.3); c.3337G>C, p.Ala1113Pro (NM_001143963.2); short protein forms A1113P, A1118P.
Identifiers: ClinVar variation 2499733 (VCV002499733.1), dbSNP rs200163358, ClinGen allele CA415110013.

ClinVar aggregate classification (germline): Uncertain significance (1 of 4 stars; one submission).

Submission:

GeneDx
Classification: Uncertain significance. Last evaluated: 2022-10-20. Review status: criteria provided, single submitter. Criteria: GeneDx Variant Classification Process June 2021. Collection method: clinical testing. Allele origin: germline. Affected: yes.
Comment: Not observed at significant frequency in large population cohorts (gnomAD); In silico analysis supports that this missense variant has a deleterious effect on protein structure/function; Has not been previously published as pathogenic or benign to our knowledge